The following is an entry in ClinVar:

ClinVar aggregate classification (germline): Uncertain significance (1 of 4 stars; one submission).

Submission:

Labcorp Genetics (formerly Invitae), Labcorp
Classification: Uncertain significance. Last evaluated: 2022-05-04. Review status: criteria provided, single submitter. Criteria: Invitae Variant Classification Sherloc (09022015). Collection method: clinical testing. Allele origin: germline.
Comment: This variant is present in population databases (no rsID available, gnomAD 0.003%). In summary, the available evidence is currently insufficient to determine the role of this variant in disease. Therefore, it has been classified as a Variant of Uncertain Significance. This variant has not been reported in the literature in individuals affected with TGM6-related conditions. This sequence change creates a premature translational stop signal (p.Cys27Alafs*18) in the TGM6 gene. It is expected to result in an absent or disrupted protein product. However, the current clinical and genetic evidence is not sufficient to establish whether loss-of-function variants in TGM6 cause disease.

NM_198994.3(TGM6):c.78del (p.Cys27fs)

Gene: TGM6 (transglutaminase 6; plus strand). Cytogenetic location: 20p13.
Variant type: Deletion.
Coding change: c.78del on transcript NM_198994.3 (MANE Select); coding-DNA position 78, one base deleted (C; older notation c.78delC).
Protein change: p.Cys27fs; shifts the reading frame from cysteine 27.
Molecular consequence: frameshift variant.
Genome position (GRCh38, 1-based): chr20:2,394,522, C deleted; the last of 4 consecutive C bases (chr20:2,394,519-2,394,522); deleting any one gives the same sequence. VCF-style (leftmost placement, unchanged base first): chr20-2394518-AC-A. GRCh37 (hg19) VCF-style: chr20-2375164-AC-A.
Other names: c.78del, p.Cys27fs (NM_001254734.2); short protein forms C27fs.
Identifiers: ClinVar variation 1911597 (VCV001911597.5), dbSNP rs1482606341, ClinGen allele CA634327254.